The following is an entry in ClinVar:

ClinVar aggregate classification (germline): Conflicting classifications of pathogenicity. Review status: criteria provided, conflicting classifications (1 of 4 stars). 2 submissions from 2 submitters: Uncertain significance (1); Likely benign (1). Last evaluated 2024-10-28.

Conditions:
Adams-Oliver syndrome 5 (AOS5). Identifiers: Orphanet 974, MedGen C4014970, MONDO:0014459, OMIM 616028.
Familial thoracic aortic aneurysm and aortic dissection (TAAD). Also called: Thoracic aortic aneurysms and dissections. Identifiers: Orphanet 91387, MedGen C4707243, MONDO:0019625.

Allele frequency attached by ClinVar (database versions not stated): TOPMed 0.00001; ExAC 0.00002; gnomAD 0.00004 and 0.00005.
gnomAD v4.1: 17 of 1,612,708 alleles (0.0011%); highest among the groups gnomAD compares: African/African-American, 0.0093%; no homozygotes.

Submissions (2):

Labcorp Genetics (formerly Invitae), Labcorp
Classification: Likely benign for Adams-Oliver syndrome 5. Last evaluated: 2024-10-28. Review status: criteria provided, single submitter. Criteria: Invitae Variant Classification Sherloc (09022015). Collection method: clinical testing. Allele origin: germline.

Ambry Genetics
Classification: Uncertain significance for Familial thoracic aortic aneurysm and aortic dissection. Last evaluated: 2024-06-07. Review status: criteria provided, single submitter. Criteria: Ambry Variant Classification Scheme 2023. Collection method: clinical testing. Allele origin: germline.
Comment: The p.P915L variant (also known as c.2744C>T), located in coding exon 18 of the NOTCH1 gene, results from a C to T substitution at nucleotide position 2744. The proline at codon 915 is replaced by leucine, an amino acid with similar properties. This amino acid position is highly conserved in available vertebrate species. In addition, this alteration is predicted to be deleterious by in silico analysis. Since supporting evidence is limited at this time, the clinical significance of this alteration remains unclear.

NM_017617.5(NOTCH1):c.2744C>T (p.Pro915Leu)

Gene: NOTCH1 (notch receptor 1; minus strand). Cytogenetic location: 9q34.3.
Variant type: single nucleotide variant.
Coding change: c.2744C>T on transcript NM_017617.5 (MANE Select); coding-DNA position 2744, C replaced by T.
Protein change: p.Pro915Leu; replaces proline 915 with leucine.
Molecular consequence: missense variant.
Genome position (GRCh38, 1-based): chr9:136,509,958, G>A on the plus strand (C>T on the coding strand, the complement: NOTCH1 is on the minus strand). VCF-style: chr9-136509958-G-A. GRCh37 (hg19) VCF-style: chr9-139404410-G-A.
Other names: c.2744C>T, p.Pro915Leu (LRG_1122t1); short protein forms P915L.
Identifiers: ClinVar variation 647029 (VCV000647029.11), dbSNP rs755058802, ClinGen allele CA5341154.